The following is an entry in ClinVar:

NM_001130438.3(SPTAN1):c.3640C>T (p.Arg1214Cys)

Gene: SPTAN1 (spectrin alpha, non-erythrocytic 1; plus strand). Cytogenetic location: 9q34.11.
Variant type: single nucleotide variant.
Coding change: c.3640C>T on transcript NM_001130438.3 (MANE Select); coding-DNA position 3640, C replaced by T.
Protein change: p.Arg1214Cys; replaces arginine 1214 with cysteine.
Molecular consequence: missense variant.
Genome position (GRCh38, 1-based): chr9:128,604,338, C>T. VCF-style: chr9-128604338-C-T. GRCh37 (hg19) VCF-style: chr9-131366617-C-T.
Other names: c.3580C>T, p.Arg1194Cys (NM_001195532.2, NM_001363765.2); c.3640C>T, p.Arg1214Cys (NM_001363759.2, NM_003127.4); short protein forms R1214C, R1194C.
Identifiers: ClinVar variation 207283 (VCV000207283.10), dbSNP rs756099218, ClinGen allele CA318603.

ClinVar aggregate classification (germline): Uncertain significance. Review status: criteria provided, multiple submitters, no conflicts (2 of 4 stars). 2 submissions from 2 submitters: Uncertain significance (2). Last evaluated 2022-02-23.

Conditions:
Inborn genetic diseases. Identifiers: MedGen C0950123, MeSH D030342.
Early-infantile DEE. Also called: Ohtahara syndrome; Early infantile epileptic encephalopathy; Early infantile epileptic encephalopathy with suppression bursts. Identifiers: Orphanet 1934, MedGen C0393706, MONDO:0800491.

Allele frequency attached by ClinVar (database versions not stated): gnomAD 0.00001; gnomAD exomes 0.00001 and 0.00002; TOPMed 0.00001; ExAC 0.00002.
gnomAD v4.1: 22 of 1,613,832 alleles (0.0014%); highest among the groups gnomAD compares: South Asian, 0.0077%; no homozygotes.

Submissions (2):

Labcorp Genetics (formerly Invitae), Labcorp
Classification: Uncertain significance for Early-infantile DEE. Last evaluated: 2022-02-23. Review status: criteria provided, single submitter. Criteria: Invitae Variant Classification Sherloc (09022015). Collection method: clinical testing. Allele origin: germline.
Comment: This sequence change replaces arginine, which is basic and polar, with cysteine, which is neutral and slightly polar, at codon 1214 of the SPTAN1 protein (p.Arg1214Cys). This variant is present in population databases (rs756099218, gnomAD 0.007%). This variant has not been reported in the literature in individuals affected with SPTAN1-related conditions. ClinVar contains an entry for this variant (Variation ID: 207283). Algorithms developed to predict the effect of missense changes on protein structure and function (SIFT, PolyPhen-2, Align-GVGD) all suggest that this variant is likely to be disruptive. In summary, the available evidence is currently insufficient to determine the role of this variant in disease. Therefore, it has been classified as a Variant of Uncertain Significance.

Ambry Genetics
Classification: Uncertain significance for Inborn genetic diseases. Last evaluated: 2017-05-31. Review status: criteria provided, single submitter. Criteria: Ambry Variant Classification Scheme 2023. Collection method: clinical testing. Allele origin: germline.
Comment: The p.R1214C variant (also known as c.3640C>T), located in coding exon 28 of the SPTAN1 gene, results from a C to T substitution at nucleotide position 3640. The arginine at codon 1214 is replaced by cysteine, an amino acid with highly dissimilar properties. This amino acid position is highly conserved in available vertebrate species. In addition, this alteration is predicted to be deleterious by in silico analysis. Since supporting evidence is limited at this time, the clinical significance of this alteration remains unclear.